The following is an entry in ClinVar:

NM_005744.5(ARIH1):c.417T>A (p.Asn139Lys)

Gene: ARIH1 (ariadne RBR E3 ubiquitin protein ligase 1; plus strand). Cytogenetic location: 15q24.1.
Variant type: single nucleotide variant.
Coding change: c.417T>A on transcript NM_005744.5 (MANE Select); coding-DNA position 417, T replaced by A.
Protein change: p.Asn139Lys; replaces asparagine 139 with lysine.
Molecular consequence: missense variant.
Genome position (GRCh38, 1-based): chr15:72,518,108, T>A. VCF-style: chr15-72518108-T-A. GRCh37 (hg19) VCF-style: chr15-72810449-T-A.
Other names: short protein forms N139K.
Identifiers: ClinVar variation 3647453 (VCV003647453.2).

ClinVar aggregate classification (germline): Uncertain significance (1 of 4 stars; one submission).

Submission:

Labcorp Genetics (formerly Invitae), Labcorp
Classification: Uncertain significance. Last evaluated: 2024-04-29. Review status: criteria provided, single submitter. Criteria: Invitae Variant Classification Sherloc (09022015). Collection method: clinical testing. Allele origin: germline.
Comment: This sequence change replaces asparagine, which is neutral and polar, with lysine, which is basic and polar, at codon 139 of the ARIH1 protein (p.Asn139Lys). This variant is not present in population databases (gnomAD no frequency). This variant has not been reported in the literature in individuals affected with ARIH1-related conditions. An algorithm developed to predict the effect of missense changes on protein structure and function (PolyPhen-2) suggests that this variant is likely to be tolerated. In summary, the available evidence is currently insufficient to determine the role of this variant in disease. Therefore, it has been classified as a Variant of Uncertain Significance.